The following is an entry in ClinVar:

ClinVar aggregate classification (germline): Uncertain significance. Review status: criteria provided, multiple submitters, no conflicts (2 of 4 stars). 2 submissions from 2 submitters: Uncertain significance (2). Last evaluated 2025-12-08.

Submissions (2):

Ambry Genetics
Classification: Uncertain significance. Last evaluated: 2025-12-08. Review status: criteria provided, single submitter. Criteria: Ambry Variant Classification Scheme 2023. Collection method: clinical testing. Allele origin: germline.

Labcorp Genetics (formerly Invitae), Labcorp
Classification: Uncertain significance. Last evaluated: 2024-04-09. Review status: criteria provided, single submitter. Criteria: Invitae Variant Classification Sherloc (09022015). Collection method: clinical testing. Allele origin: germline.
Comment: This sequence change replaces glycine, which is neutral and non-polar, with aspartic acid, which is acidic and polar, at codon 101 of the LAGE3 protein (p.Gly101Asp). This variant is not present in population databases (gnomAD no frequency). This variant has not been reported in the literature in individuals affected with LAGE3-related conditions. An algorithm developed to predict the effect of missense changes on protein structure and function (PolyPhen-2) suggests that this variant is likely to be disruptive. In summary, the available evidence is currently insufficient to determine the role of this variant in disease. Therefore, it has been classified as a Variant of Uncertain Significance.

NM_006014.5(LAGE3):c.302G>A (p.Gly101Asp)

Gene: LAGE3 (L antigen family member 3; minus strand). Cytogenetic location: Xq28.
Variant type: single nucleotide variant.
Coding change: c.302G>A on transcript NM_006014.5 (MANE Select); coding-DNA position 302, G replaced by A.
Protein change: p.Gly101Asp; replaces glycine 101 with aspartic acid.
Molecular consequence: missense variant.
Genome position (GRCh38, 1-based): chrX:154,478,298, C>T on the plus strand (G>A on the coding strand, the complement: LAGE3 is on the minus strand). VCF-style: chrX-154478298-C-T. GRCh37 (hg19) VCF-style: chrX-153706637-C-T.
Other names: c.302G>A (NM_006014.3); short protein forms G101D.
Identifiers: ClinVar variation 3612874 (VCV003612874.3).
Genomic context (GRCh38, chrX:154,478,298, plus strand): 5'-TCTCCATGGGCCGCCTCCCCCAACCCCGTCCCTTTCAGAACTTACACGACCAGGATCCTG[C>T]CACTCACTGTGAGATCCTTCCCAACCACCCTTTGGTGGGGCTCGGCATCTGGTGCCAGGG-3'
Protein context (NP_006005.2, residues 91-111): RVVGKDLTVS[Gly101Asp]RILVVRWKAE